The following is an entry in ClinVar:

ClinVar aggregate classification (germline): Uncertain significance. Review status: criteria provided, multiple submitters, no conflicts (2 of 4 stars). 2 submissions from 2 submitters: Uncertain significance (2). Last evaluated 2023-12-27.

Conditions:
Pseudohypoaldosteronism type 2B (PHA2B). Also called: Pseudohypoaldosteronism Type IIB. Identifiers: Orphanet 757, Orphanet 88939, MedGen C1840390, MONDO:0013777, OMIM 614491.

Allele frequency attached by ClinVar (database versions not stated): gnomAD 0.00001; gnomAD exomes 0.00003; TOPMed 0.00003; ExAC 0.00013.

Submissions (2):

Fulgent Genetics
Classification: Uncertain significance for Pseudohypoaldosteronism type 2B. Last evaluated: 2023-12-27. Review status: criteria provided, single submitter. Criteria: ACMG Guidelines, 2015. Collection method: clinical testing. Allele origin: germline.

Labcorp Genetics (formerly Invitae), Labcorp
Classification: Uncertain significance. Last evaluated: 2023-01-25. Review status: criteria provided, single submitter. Criteria: Invitae Variant Classification Sherloc (09022015). Collection method: clinical testing. Allele origin: germline.
Comment: This sequence change replaces serine, which is neutral and polar, with leucine, which is neutral and non-polar, at codon 621 of the WNK4 protein (p.Ser621Leu). In summary, the available evidence is currently insufficient to determine the role of this variant in disease. Therefore, it has been classified as a Variant of Uncertain Significance. Algorithms developed to predict the effect of missense changes on protein structure and function are either unavailable or do not agree on the potential impact of this missense change (SIFT: "Deleterious"; PolyPhen-2: "Not Available"; Align-GVGD: "Class C15"). This variant has not been reported in the literature in individuals affected with WNK4-related conditions. This variant is present in population databases (rs749535153, gnomAD 0.03%).

NM_032387.5(WNK4):c.1862C>T (p.Ser621Leu)

Gene: WNK4 (WNK lysine deficient protein kinase 4; plus strand). Cytogenetic location: 17q21.2.
Variant type: single nucleotide variant.
Coding change: c.1862C>T on transcript NM_032387.5 (MANE Select); coding-DNA position 1862, C replaced by T.
Protein change: p.Ser621Leu; replaces serine 621 with leucine.
Molecular consequence: missense variant.
Genome position (GRCh38, 1-based): chr17:42,787,898, C>T. VCF-style: chr17-42787898-C-T. GRCh37 (hg19) VCF-style: chr17-40939916-C-T.
Other names: c.854C>T, p.Ser285Leu (NM_001321299.2); short protein forms S285L, S621L.
Identifiers: ClinVar variation 2897211 (VCV002897211.4), dbSNP rs749535153, ClinGen allele CA8584114.